The following is an entry in ClinVar:

ClinVar aggregate classification (germline): Conflicting classifications of pathogenicity. Review status: criteria provided, conflicting classifications (1 of 4 stars). 2 submissions from 2 submitters: Uncertain significance (1); Likely benign (1). Last evaluated 2025-10-07.

Conditions:
Inborn genetic diseases. Identifiers: MedGen C0950123, MeSH D030342.
Infantile-onset ascending hereditary spastic paralysis (IAHSP). Also called: Autosomal Recessive Juvenile Amyotrophic Lateral Sclerosis; Infantile-Onset Ascending Hereditary Spastic Paralysis (IAHSP). Identifiers: Orphanet 293168, MedGen C2931441, MONDO:0011797, OMIM 607225. Disease mechanism: loss of function.

Allele frequency attached by ClinVar (database versions not stated): gnomAD 0.00001; gnomAD exomes 0.00003; ExAC 0.00006; 1000 Genomes Project 30x 0.00031; 1000 Genomes Project 0.00040.
gnomAD v4.1: 48 of 1,561,992 alleles (0.0031%); highest among the groups gnomAD compares: South Asian, 0.048%; no homozygotes.

Submissions (2):

Ambry Genetics
Classification: Likely benign for Inborn genetic diseases. Last evaluated: 2025-10-07. Review status: criteria provided, single submitter. Criteria: Ambry Variant Classification Scheme 2023. Collection method: clinical testing. Allele origin: germline.

Neuberg Centre For Genomic Medicine, NCGM
Classification: Uncertain significance for Infantile-onset ascending hereditary spastic paralysis. Review status: criteria provided, single submitter. Criteria: ACMG Guidelines, 2015. Collection method: clinical testing. Allele origin: germline. Inheritance: Autosomal recessive inheritance. Affected: yes.
Comment: The splice site region variant c.4005T>C (p.Ser1335) in ALS2 gene has not been reported previously as a pathogenic variant nor as a benign variant, to our knowledge. The p.Ser1335 variant is novel (not in any individuals) in 1000 Genomes and allele frequency of 0.00007648% is reported in gnomAD. For these reasons, this variant has been classified as Uncertain Significance.

NM_020919.4(ALS2):c.4005T>C (p.Ser1335=)

Gene: ALS2 (alsin Rho guanine nucleotide exchange factor ALS2; minus strand). Cytogenetic location: 2q33.1.
Variant type: single nucleotide variant.
Coding change: c.4005T>C on transcript NM_020919.4 (MANE Select); coding-DNA position 4005, T replaced by C.
Protein change: p.Ser1335=; no amino-acid change (serine 1335 retained).
Molecular consequence: synonymous variant.
Genome position (GRCh38, 1-based): chr2:201,711,108, A>G on the plus strand (T>C on the coding strand, the complement: ALS2 is on the minus strand). VCF-style: chr2-201711108-A-G. GRCh37 (hg19) VCF-style: chr2-202575831-A-G.
Other names: c.4005T>C (NM_020919.3); c.4002T>C, p.Ser1334= (NM_001410975.1).
Identifiers: ClinVar variation 2627981 (VCV002627981.2), dbSNP rs541714751, ClinGen allele CA2057686.